The following is an entry in ClinVar:

NM_006766.5(KAT6A):c.2913_2915dup (p.Arg972_Tyr973insArg)

Gene: KAT6A (lysine acetyltransferase 6A; minus strand). Cytogenetic location: 8p11.21.
Variant type: Duplication.
Coding change: c.2913_2915dup on transcript NM_006766.5 (MANE Select); coding-DNA positions 2913 to 2915, 3 bases duplicated (TCG; older notation c.2913_2915dupTCG).
Protein change: p.Arg972_Tyr973insArg.
Genome position (GRCh38, 1-based): chr8:41,940,966-41,940,968, CGA duplicated on the plus strand (TCG on the coding strand, the reverse complement: KAT6A is on the minus strand); duplicating any 3 consecutive bases within chr8:41,940,966-41,940,970 gives the same sequence; the c. name uses the placement nearest the transcript's 3' end. VCF-style (leftmost placement, unchanged base first): chr8-41940965-G-GCGA. GRCh37 (hg19) VCF-style: chr8-41798483-G-GCGA.
Identifiers: ClinVar variation 3692945 (VCV003692945.2).
Genomic context (GRCh38, chr8:41,940,965, plus strand): 5'-CTCCTCCTCCTCGCTGCTCTCACTGAAGCCCCTGAGGACAGCCCTGTCACCCTCACTGTA[G>GCGA]CGACGGGGCAGCCTCTCACTTCCTTCTGTTAATCTGCACTTCAGAGCCTCAGGGCTTTTC-3'

ClinVar aggregate classification (germline): Uncertain significance (1 of 4 stars; one submission).

Submission:

Labcorp Genetics (formerly Invitae), Labcorp
Classification: Uncertain significance. Last evaluated: 2024-08-12. Review status: criteria provided, single submitter. Criteria: Invitae Variant Classification Sherloc (09022015). Collection method: clinical testing. Allele origin: germline.
Comment: This variant, c.2913_2915dup, results in the insertion of 1 amino acid(s) of the KAT6A protein (p.Arg972dup), but otherwise preserves the integrity of the reading frame. This variant is not present in population databases (gnomAD no frequency). This variant has not been reported in the literature in individuals affected with KAT6A-related conditions. In summary, the available evidence is currently insufficient to determine the role of this variant in disease. Therefore, it has been classified as a Variant of Uncertain Significance.